The following is an entry in ClinVar:

NM_130849.4(SLC39A4):c.1390_1391delinsG (p.Pro464fs)

Gene: SLC39A4 (solute carrier family 39 member 4; minus strand). Cytogenetic location: 8q24.3.
Variant type: Indel.
Coding change: c.1390_1391delinsG on transcript NM_130849.4 (MANE Select); coding-DNA positions 1390 to 1391, CC replaced by G.
Protein change: p.Pro464fs; shifts the reading frame from proline 464.
Molecular consequence: frameshift variant.
Genome position (GRCh38, 1-based): chr8:144,413,778-144,413,779, GG replaced by C on the plus strand (CC replaced by G on the coding strand, the reverse complement: SLC39A4 is on the minus strand). VCF-style: chr8-144413778-GG-C. GRCh37 (hg19) VCF-style: chr8-145639162-GG-C.
Other names: c.1108_1109delinsG, p.Pro370fs (NM_001374839.1); c.1315_1316delinsG, p.Pro439fs (NM_017767.3); short protein forms P370fs, P439fs, P464fs.
Identifiers: ClinVar variation 4684990 (VCV004684990.1).

ClinVar aggregate classification (germline): Pathogenic (1 of 4 stars; one submission).

Conditions:
Rare genetic inflammatory skin disorders.

Submission:

Genetics Laboratory, Great Ormond Street Hospital NHS Foundation Trust, North Thames Genomic Laboratory Hub
Classification: Pathogenic for Rare genetic inflammatory skin disorders. Last evaluated: 2025-11-13. Review status: criteria provided, single submitter. Criteria: ACGS Best Practice Guidelines for Variant Classification in Rare Disease 2024 v1.2. Collection method: clinical testing. Allele origin: germline. Affected: yes.
Comment: PM2_moderate, PVS1_very-strong, PM3_supporting